The following is an entry in ClinVar:

ClinVar aggregate classification (germline): Conflicting classifications of pathogenicity. Review status: criteria provided, conflicting classifications (1 of 4 stars). 4 submissions from 4 submitters: Uncertain significance (1); Likely benign (3). Last evaluated 2025-10-21.

Conditions:
SPATA7-related disorder. Also called: SPATA7-related disorders; SPATA7-related condition. Identifiers: MedGen CN239422.
Leber congenital amaurosis 3 (LCA3). Also called: SPATA7-Related Retinitis Pigmentosa. Identifiers: MedGen C1858677, MONDO:0011415, OMIM 604232.

Allele frequency attached by ClinVar (database versions not stated): ESP Exome Variant Server 0.00031; gnomAD 0.00033 and 0.00036; TOPMed 0.00039; gnomAD exomes 0.00004 and 0.00008; ExAC 0.00009; 1000 Genomes Project 30x 0.00031; 1000 Genomes Project 0.00040.

Submissions (4):

Labcorp Genetics (formerly Invitae), Labcorp
Classification: Likely benign for Leber congenital amaurosis 3. Last evaluated: 2025-10-21. Review status: criteria provided, single submitter. Criteria: Invitae Variant Classification Sherloc (09022015). Collection method: clinical testing. Allele origin: germline.

PreventionGenetics, part of Exact Sciences
Classification: Likely benign for SPATA7-related condition. Last evaluated: 2025-04-22. Review status: criteria provided, single submitter. Criteria: ACMG Guidelines, 2015. Collection method: clinical testing. Allele origin: germline.
Comment: This variant is classified as likely benign based on ACMG/AMP sequence variant interpretation guidelines (Richards et al. 2015 PMID: 25741868, with internal and published modifications).

Blueprint Genetics
Classification: Likely benign. Last evaluated: 2024-10-23. Review status: criteria provided, single submitter. Criteria: ACMG Guidelines, 2015. Collection method: clinical testing. Allele origin: germline.

Eurofins Ntd Llc (ga)
Classification: Uncertain significance. Last evaluated: 2016-03-22. Review status: criteria provided, single submitter. Criteria: EGL Classification Definitions 2015. Collection method: clinical testing. Allele origin: germline. Observed: 1 variant allele, 1 heterozygote.

NM_018418.5(SPATA7):c.757C>T (p.Leu253=)

Gene: SPATA7 (spermatogenesis associated 7; plus strand). Cytogenetic location: 14q31.3.
Variant type: single nucleotide variant.
Coding change: c.757C>T on transcript NM_018418.5 (MANE Select); coding-DNA position 757, C replaced by T.
Protein change: p.Leu253=; no amino-acid change (leucine 253 retained).
Molecular consequence: synonymous variant.
Genome position (GRCh38, 1-based): chr14:88,426,616, C>T. VCF-style: chr14-88426616-C-T. GRCh37 (hg19) VCF-style: chr14-88892960-C-T.
Other names: c.661C>T, p.Leu221= (NM_001040428.4).
Identifiers: ClinVar variation 286675 (VCV000286675.17), dbSNP rs138993523, ClinGen allele CA7298586.